The following is an entry in ClinVar:

NM_012280.4(FTSJ1):c.655G>A (p.Asp219Asn)

Gene: FTSJ1 (FtsJ RNA 2'-O-methyltransferase 1; plus strand). Cytogenetic location: Xp11.23.
Variant type: single nucleotide variant.
Coding change: c.655G>A on transcript NM_012280.4 (MANE Select); coding-DNA position 655, G replaced by A.
Protein change: p.Asp219Asn; replaces aspartic acid 219 with asparagine.
Molecular consequence: missense variant.
Genome position (GRCh38, 1-based): chrX:48,481,715, G>A. VCF-style: chrX-48481715-G-A. GRCh37 (hg19) VCF-style: chrX-48340103-G-A.
Other names: EX9DEL; c.655G>A, p.Asp219Asn (NM_177439.3); c.244G>A, p.Asp82Asn (NM_001282157.2); c.655G>A (NM_012280.3, NM_012280.2); short protein forms D219N, D82N.
Identifiers: ClinVar variation 10894 (VCV000010894.9), dbSNP rs2519393316, ClinGen allele CA412857205.
Genomic context (GRCh38, chrX:48,481,715, plus strand): 5'-TATGACCCTCCCGAGGGCTTCATCCCGGACCTGAGCAAACCCCTGCTGGACCATTCTTAC[G>A]GTGAGAGCTGGAGCATGGGCCACCCTGGGGGACTCTGCCACACCTTATGCAATCTAGGTC-3'
Protein context (NP_036412.1, residues 209-229): LSKPLLDHSY[Asp219Asn]PDFNQLDGPT

ClinVar aggregate classification (germline): Pathogenic. Review status: criteria provided, multiple submitters, no conflicts (2 of 4 stars). 3 submissions from 3 submitters: Pathogenic (2). 1 of the submissions does not count toward it. Last evaluated 2024-05-31.

Conditions:
Intellectual developmental disorder, X-linked 9. Also called: MENTAL RETARDATION, X-LINKED 44; Intellectual disability, X-linked 9. Identifiers: Orphanet 777, MedGen C0796215, MONDO:0010660, OMIM 309549.

Submissions (3):

GeneDx
Classification: Pathogenic. Last evaluated: 2024-05-31. Review status: criteria provided, single submitter. Criteria: GeneDx Variant Classification Process June 2021. Collection method: clinical testing. Allele origin: germline.
Comment: Published cDNA studies show a deletion of exon 9, which is predicted to be in-frame (PMID: 15162322); Not observed at significant frequency in large population cohorts (gnomAD); In silico analysis indicates that this missense variant does not alter protein structure/function; This variant is associated with the following publications: (PMID: 10398246, 17221867, 15162322)

Women's Health and Genetics/Laboratory Corporation of America, LabCorp
Classification: Pathogenic for Intellectual developmental disorder, X-linked 9. Last evaluated: 2023-05-04. Review status: criteria provided, single submitter. Criteria: LabCorp Variant Classification Summary - May 2015. Collection method: clinical testing. Allele origin: germline.
Comment: Variant summary: FTSJ1 c.655G>A (p.Asp219Asn) results in a conservative amino acid change in the encoded protein sequence. Four of five in-silico tools predict a benign effect of the variant on protein function. In addition, this variant is located to the last nucleotide of exon 9, and therefore can affect splicing. Several computational tools predict a significant impact on normal splicing: three predict the variant weakens a 5' donor site, one predicts the variant abolishes a 5' splicing donor site. At least one publication reported experimental evidence confirming that this variant affects mRNA splicing, finding that the variant resulted in skipping of exon 9, with an in-frame deletion at the protein level (Freude_2004) that is predicted to disrupt the C-terminal part of the S-AdoMet-binding domain (Freude_2004). The variant was absent in 180681 control chromosomes. c.655G>A has been reported in the literature in several related individuals with Intellectual disability, X-linked 9, and the variant was shown to segregate with disease in these related individuals (e.g., Freude_2004, deBrouwer_2007). These data indicate that the variant is likely to be associated with disease. The following publications have been ascertained in the context of this evaluation (PMID: 15162322, 17221867). One clinical diagnostic laboratory has submitted clinical-significance assessments for this variant to ClinVar after 2014 and classified the variant as pathogenic. Based on the evidence outlined above, the variant was classified as pathogenic.

OMIM
Classification: Pathogenic for INTELLECTUAL DEVELOPMENTAL DISORDER, X-LINKED 9. Last evaluated: 2004-08-01. Review status: no assertion criteria provided. Collection method: literature only. Allele origin: germline. Not counted in ClinVar's aggregate classification.

Literature cited by the submitters: PubMed 15162322 (cited by Women's Health and Genetics/Laboratory Corporation of America, LabCorp and OMIM); PubMed 17221867 (cited by Women's Health and Genetics/Laboratory Corporation of America, LabCorp); PubMed 10398246 (cited by OMIM).